The following is an entry in ClinVar:

ClinVar aggregate classification (germline): Uncertain significance (1 of 4 stars; one submission).

Conditions:
Mucopolysaccharidosis, MPS-III-C (MPS3C). Also called: SANFILIPPO SYNDROME C; MPS III C; mucopolysaccharidosis type 3C; MUCOPOLYSACCHARIDOSIS, TYPE IIIC; MPS IIIC (Sanfilippo Syndrome Type C); Mucopolysaccharidosis type IIIC (Sanfilippo C). Identifiers: Orphanet 581, Orphanet 79271, MedGen C0086649, MONDO:0009657, OMIM 252930.
Retinitis pigmentosa 73 (RP73). Identifiers: Orphanet 791, MedGen C4225287, MONDO:0014687, OMIM 616544.

Submission:

Labcorp Genetics (formerly Invitae), Labcorp
Classification: Uncertain significance for Retinitis pigmentosa 73; Mucopolysaccharidosis, MPS-III-C. Last evaluated: 2022-06-15. Review status: criteria provided, single submitter. Criteria: Invitae Variant Classification Sherloc (09022015). Collection method: clinical testing. Allele origin: germline.
Comment: This variant has not been reported in the literature in individuals affected with HGSNAT-related conditions. Advanced modeling of protein sequence and biophysical properties (such as structural, functional, and spatial information, amino acid conservation, physicochemical variation, residue mobility, and thermodynamic stability) performed at Invitae indicates that this missense variant is expected to disrupt HGSNAT protein function. In summary, the available evidence is currently insufficient to determine the role of this variant in disease. Therefore, it has been classified as a Variant of Uncertain Significance. This variant is not present in population databases (gnomAD no frequency). This sequence change replaces glycine, which is neutral and non-polar, with serine, which is neutral and polar, at codon 336 of the HGSNAT protein (p.Gly336Ser).

NM_152419.3(HGSNAT):c.1006G>A (p.Gly336Ser)

Gene: HGSNAT (heparan-alpha-glucosaminide N-acetyltransferase; plus strand). Cytogenetic location: 8p11.21.
Variant type: single nucleotide variant.
Coding change: c.1006G>A on transcript NM_152419.3 (MANE Select); coding-DNA position 1006, G replaced by A.
Protein change: p.Gly336Ser; replaces glycine 336 with serine.
Molecular consequence: missense variant. On other transcripts: intron variant (1).
Genome position (GRCh38, 1-based): chr8:43,178,228, G>A. VCF-style: chr8-43178228-G-A. GRCh37 (hg19) VCF-style: chr8-43033371-G-A.
Other names: c.1006G>A, p.Gly336Ser (NM_001363227.2); c.142G>A, p.Gly48Ser (NM_001363229.2); c.821-3917G>A (NM_001363228.2); short protein forms G336S, G48S.
Identifiers: ClinVar variation 2129547 (VCV002129547.4), dbSNP rs2130766732, ClinGen allele CA371117505.